The following is an entry in ClinVar:

ClinVar aggregate classification (germline): Uncertain significance (1 of 4 stars; one submission).

Allele frequency attached by ClinVar (database versions not stated): gnomAD exomes below 0.00001.

Submission:

Ambry Genetics
Classification: Uncertain significance. Last evaluated: 2025-03-30. Review status: criteria provided, single submitter. Criteria: Ambry Variant Classification Scheme 2023. Collection method: clinical testing. Allele origin: germline.
Comment: The p.N170S variant (also known as c.509A>G), located in coding exon 6 of the FAM175A gene, results from an A to G substitution at nucleotide position 509. The asparagine at codon 170 is replaced by serine, an amino acid with highly similar properties. This amino acid position is conserved. In addition, this alteration is predicted to be tolerated by in silico analysis. Since supporting evidence is limited at this time, the clinical significance of this alteration remains unclear.

NM_139076.3(ABRAXAS1):c.509A>G (p.Asn170Ser)

Gene: ABRAXAS1 (abraxas 1, BRCA1 A complex subunit; minus strand). Cytogenetic location: 4q21.23.
Variant type: single nucleotide variant.
Coding change: c.509A>G on transcript NM_139076.3 (MANE Select); coding-DNA position 509, A replaced by G.
Protein change: p.Asn170Ser; replaces asparagine 170 with serine.
Molecular consequence: missense variant.
Genome position (GRCh38, 1-based): chr4:83,469,119, T>C on the plus strand (A>G on the coding strand, the complement: ABRAXAS1 is on the minus strand). VCF-style: chr4-83469119-T-C. GRCh37 (hg19) VCF-style: chr4-84390272-T-C.
Other names: c.182A>G, p.Asn61Ser (NM_001345962.2); short protein forms N170S, N61S.
Identifiers: ClinVar variation 2563990 (VCV002563990.3), dbSNP rs2529435457, ClinGen allele CA357259582.